The following is an entry in ClinVar:

ClinVar aggregate classification (germline): Likely benign. Review status: criteria provided, multiple submitters, no conflicts (2 of 4 stars). 3 submissions from 3 submitters: Likely benign (2). 1 of the submissions does not count toward it. Last evaluated 2025-01-15.

Conditions:
Neuromuscular disease caused by qualitative or quantitative defects of dysferlin. Also called: Dysferlinopathy; Qualitative or quantitative defects of dysferlin. Identifiers: Orphanet 207073, MedGen C2931687, MONDO:0016145.
Autosomal recessive limb-girdle muscular dystrophy type 2B (LGMDR2). Also called: MUSCULAR DYSTROPHY, LIMB-GIRDLE, AUTOSOMAL RECESSIVE 2; Limb-Girdle Muscular Dystrophy Type 2B (LGMD2B); Limb-girdle muscular dystrophy, type 2B; MUSCULAR DYSTROPHY, LIMB-GIRDLE, TYPE 3. Identifiers: Orphanet 268, MedGen C1850889, MONDO:0009676, OMIM 253601.

Allele frequency attached by ClinVar (database versions not stated): ExAC 0.00003; gnomAD exomes 0.00005.
gnomAD v4.1: 13 of 1,614,098 alleles (0.00081%); highest among the groups gnomAD compares: Admixed American, 0.022%; no homozygotes.

Submissions (3):

Labcorp Genetics (formerly Invitae), Labcorp
Classification: Likely benign for Neuromuscular disease caused by qualitative or quantitative defects of dysferlin. Last evaluated: 2025-01-15. Review status: criteria provided, single submitter. Criteria: Invitae Variant Classification Sherloc (09022015). Collection method: clinical testing. Allele origin: germline.

GeneDx
Classification: Likely benign. Last evaluated: 2018-04-11. Review status: criteria provided, single submitter. Criteria: GeneDx Variant Classification (06012015). Collection method: clinical testing. Allele origin: germline. Affected: yes.
Comment: This variant is considered likely benign or benign based on one or more of the following criteria: it is a conservative change, it occurs at a poorly conserved position in the protein, it is predicted to be benign by multiple in silico algorithms, and/or has population frequency not consistent with disease.

Natera, Inc.
Classification: Likely benign for Limb-girdle muscular dystrophy type 2B. Last evaluated: 2020-05-02. Review status: no assertion criteria provided. Collection method: clinical testing. Allele origin: germline. Not counted in ClinVar's aggregate classification.

NM_001130987.2(DYSF):c.4821C>T (p.His1607=)

Gene: DYSF (dysferlin; plus strand). Cytogenetic location: 2p13.2.
Variant type: single nucleotide variant.
Coding change: c.4821C>T on transcript NM_001130987.2 (MANE Select); coding-DNA position 4821, C replaced by T.
Protein change: p.His1607=; no amino-acid change (histidine 1607 retained).
Molecular consequence: synonymous variant.
Genome position (GRCh38, 1-based): chr2:71,658,943, C>T. VCF-style: chr2-71658943-C-T. GRCh37 (hg19) VCF-style: chr2-71886073-C-T.
Other names: c.4707C>T, p.His1569= (NM_001130455.2); c.4662C>T, p.His1554= (NM_001130976.2); c.4725C>T, p.His1575= (NM_001130977.2); c.4767C>T, p.His1589= (NM_001130978.2); c.4797C>T, p.His1599= (NM_001130979.2); c.4755C>T, p.His1585= (NM_001130980.2); c.4818C>T, p.His1606= (NM_001130981.2); c.4800C>T, p.His1600= (NM_001130982.2); and 5 more.
Identifiers: ClinVar variation 681850 (VCV000681850.11), dbSNP rs771742780, ClinGen allele CA1707152.